The following is an entry in ClinVar:

ClinVar aggregate classification (germline): Uncertain significance. Review status: criteria provided, multiple submitters, no conflicts (2 of 4 stars). 2 submissions from 2 submitters: Uncertain significance (2). Last evaluated 2024-10-07.

Conditions:
Inborn genetic diseases. Identifiers: MedGen C0950123, MeSH D030342.

gnomAD v4.1: 1 of 1,210,401 alleles (0.000083%); no homozygotes.

Submissions (2):

Ambry Genetics
Classification: Uncertain significance for Inborn genetic diseases. Last evaluated: 2024-10-07. Review status: criteria provided, single submitter. Criteria: Ambry Variant Classification Scheme 2023. Collection method: clinical testing. Allele origin: germline.

GeneDx
Classification: Uncertain significance. Last evaluated: 2023-11-06. Review status: criteria provided, single submitter. Criteria: GeneDx Variant Classification Process June 2021. Collection method: clinical testing. Allele origin: germline. Affected: yes.
Comment: Not observed at significant frequency in large population cohorts (gnomAD); In silico analysis supports that this missense variant has a deleterious effect on protein structure/function; Has not been previously published as pathogenic or benign to our knowledge; Variants in candidate genes are classified as variants of uncertain significance in accordance with ACMG guidelines (PMID: 25741868)

NM_000808.4(GABRA3):c.446C>T (p.Pro149Leu)

Gene: GABRA3 (gamma-aminobutyric acid type A receptor subunit alpha3; minus strand). Cytogenetic location: Xq28.
Variant type: single nucleotide variant.
Coding change: c.446C>T on transcript NM_000808.4 (MANE Select); coding-DNA position 446, C replaced by T.
Protein change: p.Pro149Leu; replaces proline 149 with leucine.
Molecular consequence: missense variant.
Genome position (GRCh38, 1-based): chrX:152,255,883, G>A on the plus strand (C>T on the coding strand, the complement: GABRA3 is on the minus strand). VCF-style: chrX-152255883-G-A. GRCh37 (hg19) VCF-style: chrX-151424355-G-A.
Other names: short protein forms P149L.
Identifiers: ClinVar variation 3518173 (VCV003518173.2).
Genomic context (GRCh38, chrX:152,255,883, plus strand): 5'-TTGTTGGGCGTGGTCATGTTATGAGCCACTGATTTCTTGCCATTGTGGAAGAAGGTGTCC[G>A]GTGTCCAGATCTTACTAGCCAGGAGATTGTTCAGTGGAAGGATCTTCATGGGGCCATCAA-3'
Protein context (NP_000799.1, residues 139-159): NNLLASKIWT[Pro149Leu]DTFFHNGKKS